The following is an entry in ClinVar:

ClinVar aggregate classification (germline): Pathogenic (1 of 4 stars; one submission).

Conditions:
Cardiovascular phenotype. Identifiers: MedGen CN230736.

Submission:

Ambry Genetics
Classification: Pathogenic for Cardiovascular phenotype. Last evaluated: 2023-12-12. Review status: criteria provided, single submitter. Criteria: Ambry Variant Classification Scheme 2023. Collection method: clinical testing. Allele origin: germline.
Comment: The p.M1? pathogenic mutation (also known as c.1A>G) is located in coding exon 1 of the LMNA gene and results from an A to G substitution at nucleotide position 1. This alters the methionine residue at the initiation codon (ATG). This variant has been detected in an individual with arrhythmia; however, details were not provided (van Lint FHM et al. Neth Heart J. 2019 Jun;27(6):304-309). This variant is considered to be rare based on population cohorts in the Genome Aggregation Database (gnomAD). Sequence variations that modify the initiation codon are expected to result in either loss of translation initiation, N-terminal truncation, or cause a shift in the mRNA reading frame. Based on the supporting evidence, this alteration is interpreted as a disease-causing mutation.

Literature cited by the submitters: PubMed 30847666.

NM_170707.4(LMNA):c.1A>G (p.Met1Val)

Gene: LMNA (lamin A/C; plus strand). Cytogenetic location: 1q22.
Variant type: single nucleotide variant.
Coding change: c.1A>G on transcript NM_170707.4 (MANE Select); coding-DNA position 1, A replaced by G.
Protein change: p.Met1Val; changes the start codon (methionine 1).
Molecular consequence: missense variant, initiator codon variant. On other transcripts: 5 prime UTR variant (8), intron variant (2).
Genome position (GRCh38, 1-based): chr1:156,114,919, A>G. VCF-style: chr1-156114919-A-G. GRCh37 (hg19) VCF-style: chr1-156084710-A-G.
Other names: c.1A>G, p.Met1Val (NM_001282625.2, NM_001282626.2, NM_001406983.1 and 6 more transcripts); c.-423A>G (NM_001406986.1); c.-401A>G (NM_001406990.1, NM_001406995.1, NM_001407002.1); c.-664A>G (NM_001406994.1, NM_001407000.1); c.-844A>G (NM_001406999.1); c.-507A>G (NM_001407001.1); c.-203+8096A>G (NM_001406993.1, NM_001407003.1); short protein forms M1V.
Identifiers: ClinVar variation 3229277 (VCV003229277.1), dbSNP rs2102816719, ClinGen allele CA342805818.